The following is an entry in ClinVar:

ClinVar aggregate classification (germline): Conflicting classifications of pathogenicity. Review status: criteria provided, conflicting classifications (1 of 4 stars). 2 submissions from 2 submitters: Uncertain significance (1); Benign (1). Last evaluated 2025-12-20.

Conditions:
Hereditary cancer-predisposing syndrome. Also called: Neoplastic Syndromes, Hereditary; Hereditary Cancer Syndrome; Tumor predisposition; Hereditary neoplastic syndrome. Identifiers: Orphanet 140162, MedGen C0027672, MeSH D009386, MONDO:0015356.
Gorlin syndrome. Also called: Basal cell nevus syndrome; Nevoid Basal Cell Carcinoma Syndrome. Identifiers: Orphanet 377, MedGen C0004779, MONDO:0007187.

Allele frequency attached by ClinVar (database versions not stated): gnomAD exomes below 0.00001; gnomAD 0.00001; ExAC 0.00002; 1000 Genomes Project 30x 0.00016; 1000 Genomes Project 0.00020.
gnomAD v4.1: 3 of 1,614,026 alleles (0.00019%); highest among the groups gnomAD compares: African/African-American, 0.0013%; no homozygotes.

Submissions (2):

Labcorp Genetics (formerly Invitae), Labcorp
Classification: Benign for Gorlin syndrome. Last evaluated: 2025-12-20. Review status: criteria provided, single submitter. Criteria: Invitae Variant Classification Sherloc (09022015). Collection method: clinical testing. Allele origin: germline.

Ambry Genetics
Classification: Uncertain significance for Hereditary cancer-predisposing syndrome. Last evaluated: 2025-07-18. Review status: criteria provided, single submitter. Criteria: Ambry Variant Classification Scheme 2023. Collection method: clinical testing. Allele origin: germline.
Comment: The p.I1161V variant (also known as c.3481A>G), located in coding exon 21 of the PTCH1 gene, results from an A to G substitution at nucleotide position 3481. The isoleucine at codon 1161 is replaced by valine, an amino acid with highly similar properties. This amino acid position is conserved. In addition, the in silico prediction for this alteration is inconclusive. Since supporting evidence is limited at this time, the clinical significance of this alteration remains unclear.

NM_000264.5(PTCH1):c.3481A>G (p.Ile1161Val)

Gene: PTCH1 (patched 1; minus strand). Cytogenetic location: 9q22.32.
Variant type: single nucleotide variant.
Coding change: c.3481A>G on transcript NM_000264.5 (MANE Select); coding-DNA position 3481, A replaced by G.
Protein change: p.Ile1161Val; replaces isoleucine 1161 with valine.
Molecular consequence: missense variant. On other transcripts: non-coding transcript variant (1).
Genome position (GRCh38, 1-based): chr9:95,449,909, T>C on the plus strand (A>G on the coding strand, the complement: PTCH1 is on the minus strand). VCF-style: chr9-95449909-T-C. GRCh37 (hg19) VCF-style: chr9-98212191-T-C.
Other names: c.3283A>G, p.Ile1095Val (NM_001083602.3); c.3478A>G, p.Ile1160Val (NM_001083603.3); c.3028A>G, p.Ile1010Val (NM_001083604.3, NM_001083605.3, NM_001083606.3 and 1 more transcripts); c.3325A>G, p.Ile1109Val (NM_001354918.2); short protein forms I1010V, I1095V, I1160V, I1109V, I1161V.
Identifiers: ClinVar variation 1435411 (VCV001435411.11), dbSNP rs202102540, ClinGen allele CA5138129.
Genomic context (GRCh38, chr9:95,449,909, plus strand): 5'-ATGGTCCAAAGAAAGACAAAAGCACGGGAAGCAAAACCAGCCCATTGAGAACGCCGAGGA[T>C]GGTGAGGATCGCCAGCACAGCAAAGAAATACCTGGGAGATCAAGAGGAAACGGGAACACG-3'
Protein context (NP_000255.2, residues 1151-1171): YFFAVLAILT[Ile1161Val]LGVLNGLVLL